The following is an entry in ClinVar:

NM_006371.5(CRTAP):c.444C>G (p.Tyr148Ter)

Gene: CRTAP (cartilage associated protein; plus strand). Cytogenetic location: 3p22.3.
Variant type: single nucleotide variant.
Coding change: c.444C>G on transcript NM_006371.5 (MANE Select); coding-DNA position 444, C replaced by G.
Protein change: p.Tyr148Ter; replaces tyrosine 148 with a stop codon.
Molecular consequence: nonsense.
Genome position (GRCh38, 1-based): chr3:33,114,521, C>G. VCF-style: chr3-33114521-C-G. GRCh37 (hg19) VCF-style: chr3-33156013-C-G.
Other names: c.444C>G, p.Tyr148Ter (NM_001393363.1, NM_001393364.1, NM_001393365.1); short protein forms Y148*.
Identifiers: ClinVar variation 465810 (VCV000465810.5), dbSNP rs972668240, ClinGen allele CA72699803.

ClinVar aggregate classification (germline): Pathogenic/Likely pathogenic. Review status: criteria provided, multiple submitters, no conflicts (2 of 4 stars). 2 submissions from 2 submitters: Pathogenic (1); Likely pathogenic (1). Last evaluated 2023-09-21.

Conditions:
Osteogenesis imperfecta type 7 (OI7). Also called: OSTEOGENESIS IMPERFECTA, TYPE IIB; Osteogenesis imperfecta type 2B; OI type 2B; Osteogenesis imperfecta, perinatal lethal autosomal recessive; OI type IIB; OI type 7. Identifiers: MedGen C1853162, MONDO:0012536, OMIM 610682.

Allele frequency attached by ClinVar (database versions not stated): TOPMed below 0.00001; gnomAD exomes 0.00001.
gnomAD v4.1: 10 of 1,603,612 alleles (0.00062%); highest among the groups gnomAD compares: South Asian, 0.0011%; no homozygotes.

Submissions (2):

Labcorp Genetics (formerly Invitae), Labcorp
Classification: Pathogenic for Osteogenesis imperfecta type 7. Last evaluated: 2023-09-21. Review status: criteria provided, single submitter. Criteria: Invitae Variant Classification Sherloc (09022015). Collection method: clinical testing. Allele origin: germline.
Comment: For these reasons, this variant has been classified as Pathogenic. ClinVar contains an entry for this variant (Variation ID: 465810). This variant has not been reported in the literature in individuals affected with CRTAP-related conditions. This variant is not present in population databases (gnomAD no frequency). This sequence change creates a premature translational stop signal (p.Tyr148*) in the CRTAP gene. It is expected to result in an absent or disrupted protein product. Loss-of-function variants in CRTAP are known to be pathogenic (PMID: 17055431, 19862557, 24715559).

Neuberg Centre For Genomic Medicine, NCGM
Classification: Likely pathogenic for Osteogenesis imperfecta type 7. Review status: criteria provided, single submitter. Criteria: ACMG Guidelines, 2015. Collection method: clinical testing. Allele origin: germline. Inheritance: Autosomal recessive inheritance. Affected: yes.
Comment: The stop gained variant c.444C>G (p.Tyr148Ter) in CRTAP gene has not been reported previously as a pathogenic variant nor as a benign variant, to our knowledge. The p.Tyr148Ter variant is novel (not in any individuals) in gnomAD exomes and is novel (not in any individuals) in 1000 Genomes. This variant has been reported to the ClinVar database as Pathogenic. The nucleotide change c.444C>G in CRTAP is predicted as conserved by GERP++ and PhyloP across 100 vertebrates. This variant is predicted to cause loss of normal protein function through protein truncation. Loss of function variants have been previously reported to be disease causing. For these reasons, this variant has been classified as Likely Pathogenic.

Literature cited by the submitters: PubMed 17055431 (cited by Labcorp Genetics (formerly Invitae), Labcorp); PubMed 19862557 (cited by Labcorp Genetics (formerly Invitae), Labcorp); PubMed 24715559 (cited by Labcorp Genetics (formerly Invitae), Labcorp).